The following is an entry in ClinVar:

NM_025099.6(CTC1):c.34-9T>G

Gene: CTC1 (CST telomere replication complex component 1; minus strand). Cytogenetic location: 17p13.1.
Variant type: single nucleotide variant.
Coding change: c.34-9T>G on transcript NM_025099.6 (MANE Select); 9 bases into the intron before coding-DNA position 34, T replaced by G.
Molecular consequence: intron variant.
Genome position (GRCh38, 1-based): chr17:8,243,157, A>C on the plus strand (T>G on the coding strand, the complement: CTC1 is on the minus strand). VCF-style: chr17-8243157-A-C. GRCh37 (hg19) VCF-style: chr17-8146475-A-C.
Other names: c.34-9T>G (LRG_1124t1).
Identifiers: ClinVar variation 459603 (VCV000459603.19), dbSNP rs201195157, ClinGen allele CA8372726.

ClinVar aggregate classification (germline): Conflicting classifications of pathogenicity. Review status: criteria provided, conflicting classifications (1 of 4 stars). 5 submissions from 5 submitters: Uncertain significance (4); Likely benign (1). Last evaluated 2026-01-26.

Conditions:
Dyskeratosis congenita. Identifiers: Orphanet 1775, MedGen C0265965, MONDO:0015780.
Cerebroretinal microangiopathy with calcifications and cysts 1 (CRMCC1). Identifiers: Orphanet 313838, MedGen C4552029, MONDO:0024564, OMIM 612199.

Allele frequency attached by ClinVar (database versions not stated): ESP Exome Variant Server 0.00008; gnomAD 0.00024 and 0.00026; TOPMed 0.00027; gnomAD exomes 0.00029 and 0.00047; 1000 Genomes Project 30x 0.00031; ExAC 0.00035; 1000 Genomes Project 0.00040.
gnomAD v4.1: 727 of 1,609,292 alleles (0.045%); highest among the groups gnomAD compares: Middle Eastern, 0.13%; 1 homozygote.

Submissions (5):

Labcorp Genetics (formerly Invitae), Labcorp
Classification: Likely benign for Dyskeratosis congenita. Last evaluated: 2026-01-26. Review status: criteria provided, single submitter. Criteria: Invitae Variant Classification Sherloc (09022015). Collection method: clinical testing. Allele origin: germline.

GeneDx
Classification: Uncertain significance. Last evaluated: 2023-07-11. Review status: criteria provided, single submitter. Criteria: GeneDx Variant Classification Process June 2021. Collection method: clinical testing. Allele origin: germline. Affected: yes.
Comment: Clinical RNA sequencing from patient tissue as performed by an outside laboratory showed no evidence of any splicing alterations in intron 1 of CTC1 compared to tissue-matched controls, suggesting that this variant does not impact splicing; Has not been previously published as pathogenic or benign to our knowledge; In silico analysis is inconclusive as to whether the variant alters gene splicing. In the absence of RNA/functional studies, the actual effect of this sequence change is unknown.

Sema4
Classification: Uncertain significance for Dyskeratosis congenita. Last evaluated: 2021-09-15. Review status: criteria provided, single submitter. Criteria: Sema4 Curation Guidelines. Collection method: curation. Allele origin: germline.
Comment: The CTC1 c.34-9T>G variant has not been reported in the literature to our knowledge. It was observed in 25/29638 chromosomes of the South Asian subpopulation, with no homozygotes, in the large and broad cohorts of the Genome Aggregation Database (PMID: 32461654), and has been reported in ClinVar (Variation ID 459603). In silico tools suggest the variant may weaken the canonical splice acceptor site, though these predictions have not been confirmed by functional studies. The evidence is insufficient to meet ACMG/AMP criteria for classifying the variant as benign or pathogenic. Thus, the clinical significance of this variant is currently uncertain.

Genome-Nilou Lab
Classification: Uncertain significance for Cerebroretinal microangiopathy with calcifications and cysts 1. Last evaluated: 2021-07-15. Review status: criteria provided, single submitter. Criteria: ACMG Guidelines, 2015. Collection method: clinical testing. Allele origin: germline. Affected: no.

Godley laboratory, The University of Chicago
Classification: Uncertain significance for Cerebroretinal microangiopathy with calcifications and cysts 1. Last evaluated: 2020-05-18. Review status: criteria provided, single submitter. Criteria: ACMG Guidelines, 2015. Collection method: clinical testing. Allele origin: germline. Inheritance: Autosomal dominant inheritance. Affected: yes.